The following is an entry in ClinVar:

ClinVar aggregate classification (germline): Pathogenic (1 of 4 stars; one submission).

Submission:

Labcorp Genetics (formerly Invitae), Labcorp
Classification: Pathogenic. Last evaluated: 2022-06-27. Review status: criteria provided, single submitter. Criteria: Invitae Variant Classification Sherloc (09022015). Collection method: clinical testing. Allele origin: germline.
Comment: This variant is not present in population databases (gnomAD no frequency). This sequence change creates a premature translational stop signal (p.Gln453*) in the POLE gene. It is expected to result in an absent or disrupted protein product. Loss-of-function variants in POLE are known to be pathogenic (PMID: 23230001, 25948378, 30503519). This variant has not been reported in the literature in individuals affected with POLE-related conditions. ClinVar contains an entry for this variant (Variation ID: 1059941). Algorithms developed to predict the effect of sequence changes on RNA splicing suggest that this variant may disrupt the consensus splice site. For these reasons, this variant has been classified as Pathogenic.

Literature cited by the submitters: PubMed 23230001; PubMed 25948378; PubMed 30503519.

NM_006231.4(POLE):c.1357C>T (p.Gln453Ter)

Gene: POLE (DNA polymerase epsilon, catalytic subunit; minus strand). Cytogenetic location: 12q24.33.
Variant type: single nucleotide variant.
Coding change: c.1357C>T on transcript NM_006231.4 (MANE Select); coding-DNA position 1357, C replaced by T.
Protein change: p.Gln453Ter; replaces glutamine 453 with a stop codon.
Molecular consequence: nonsense.
Genome position (GRCh38, 1-based): chr12:132,673,577, G>A on the plus strand (C>T on the coding strand, the complement: POLE is on the minus strand). VCF-style: chr12-132673577-G-A. GRCh37 (hg19) VCF-style: chr12-133250163-G-A.
Other names: short protein forms Q453*.
Identifiers: ClinVar variation 1059941 (VCV001059941.9), dbSNP rs781360770, ClinGen allele CA6893997.